The following is an entry in ClinVar:

NM_001199397.3(NEK1):c.1992dup (p.Val665fs)

Gene: NEK1 (NIMA related kinase 1; minus strand). Cytogenetic location: 4q33.
Variant type: Duplication.
Coding change: c.1992dup on transcript NM_001199397.3 (MANE Select); coding-DNA position 1992, one base duplicated (A; older notation c.1992dupA).
Protein change: p.Val665fs; shifts the reading frame from valine 665.
Molecular consequence: frameshift variant. On other transcripts: non-coding transcript variant (1), intron variant (1).
Genome position (GRCh38, 1-based): chr4:169,507,052, T duplicated on the plus strand (A on the coding strand, the reverse complement: NEK1 is on the minus strand); the first of 8 consecutive T bases (chr4:169,507,052-169,507,059); duplicating any one gives the same sequence. VCF-style (leftmost placement, unchanged base first): chr4-169507051-C-CT. GRCh37 (hg19) VCF-style: chr4-170428202-C-CT.
Other names: c.1776dup, p.Val593fs (NM_001440623.1, NM_001199400.3); c.1287dup, p.Val430fs (NM_001440624.1); c.1155dup, p.Val386fs (NM_001440625.1); c.1908dup, p.Val637fs (NM_012224.4, NM_001440621.1, NM_001374419.1); c.1701+663dup (NM_001374421.1); c.1860dup, p.Val621fs (NM_001440622.1, NM_001199398.3); c.1701dup, p.Val568fs (NM_001199399.3); c.1992dup, p.Val665fs (NM_001374418.1, NM_001440620.1); and 1 more; short protein forms V386fs, V430fs, V568fs, V593fs, V620fs, V621fs, V637fs, V665fs.
Identifiers: ClinVar variation 4852528 (VCV004852528.1).

ClinVar aggregate classification (germline): Pathogenic (0 of 4 stars; one submission).

Conditions:
Short-rib thoracic dysplasia 6 with or without polydactyly (SRTD6). Also called: POLYDACTYLY WITH NEONATAL CHONDRODYSTROPHY, TYPE II; Majewski Syndrome; SHORT RIB-POLYDACTYLY SYNDROME, TYPE IIA; SHORT-RIB THORACIC DYSPLASIA 6 WITH POLYDACTYLY; SHORT-RIB THORACIC DYSPLASIA 6 WITHOUT POLYDACTYLY. Identifiers: MedGen C0024507, MONDO:0009894, OMIM 263520.

Submission:

Medical Genetics Center, Maternal and Child Health Hospital of Hubei Province
Classification: Pathogenic for Short-rib thoracic dysplasia 6 with or without polydactyly. Last evaluated: 2026-05-14. Review status: no assertion criteria provided. Collection method: clinical testing. Allele origin: paternal. Affected: yes.
Comment: PVS1+ PM2_Supporting+PM3